The following is an entry in ClinVar:

NM_002230.4(JUP):c.910-1G>C

Gene: JUP (junction plakoglobin; minus strand). Cytogenetic location: 17q21.2.
Variant type: single nucleotide variant.
Coding change: c.910-1G>C on transcript NM_002230.4 (MANE Select); the canonical splice acceptor site of the intron before coding-DNA position 910, G replaced by C.
Molecular consequence: splice acceptor variant.
Genome position (GRCh38, 1-based): chr17:41,765,068, C>G on the plus strand (G>C on the coding strand, the complement: JUP is on the minus strand). VCF-style: chr17-41765068-C-G. GRCh37 (hg19) VCF-style: chr17-39921320-C-G.
Other names: c.910-1G>C (NM_001352774.2, NM_021991.4, NM_001352776.2 and 3 more transcripts).
Identifiers: ClinVar variation 4086103 (VCV004086103.1).

ClinVar aggregate classification (germline): Pathogenic (1 of 4 stars; one submission).

Conditions:
Palmoplantar keratodermas.

Submission:

Genetics Laboratory, Great Ormond Street Hospital NHS Foundation Trust, North Thames Genomic Laboratory Hub
Classification: Pathogenic for Palmoplantar keratodermas. Last evaluated: 2025-07-23. Review status: criteria provided, single submitter. Criteria: ACGS Best Practice Guidelines for Variant Classification in Rare Disease 2024 v1.2. Collection method: clinical testing. Allele origin: germline. Affected: yes.
Comment: PM2_moderate, PVS1_very-strong